The following is an entry in ClinVar:

ClinVar aggregate classification (germline): Uncertain significance. Review status: criteria provided, multiple submitters, no conflicts (2 of 4 stars). 2 submissions from 2 submitters: Uncertain significance (2). Last evaluated 2026-02-18.

Conditions:
Christianson syndrome (MRXSCH). Also called: X-linked mental retardation, syndromic, Christianson type; INTELLECTUAL DEVELOPMENTAL DISORDER, X-LINKED, SYNDROMIC, CHRISTIANSON TYPE; SLC9A6-Related Syndromic Mental Retardation. Identifiers: Orphanet 85278, MedGen C2678194, MONDO:0010278, OMIM 300243.

gnomAD v4.1: 2 of 1,065,569 alleles (0.00019%); highest among the groups gnomAD compares: Admixed American, 0.0022%; no homozygotes.

Submissions (2):

GeneDx
Classification: Uncertain significance. Last evaluated: 2026-02-18. Review status: criteria provided, single submitter. Criteria: GeneDx Variant Classification Process June 2021. Collection method: clinical testing. Allele origin: germline.
Comment: Has not been previously published as pathogenic or benign to our knowledge; In silico analysis is inconclusive as to whether the variant alters gene splicing. In the absence of RNA/functional studies, the actual effect of this sequence change is unknown.

Labcorp Genetics (formerly Invitae), Labcorp
Classification: Uncertain significance for Christianson syndrome. Last evaluated: 2024-05-22. Review status: criteria provided, single submitter. Criteria: Invitae Variant Classification Sherloc (09022015). Collection method: clinical testing. Allele origin: germline.
Comment: This sequence change falls in intron 9 of the SLC9A6 gene. It does not directly change the encoded amino acid sequence of the SLC9A6 protein. It affects a nucleotide within the consensus splice site. This variant is present in population databases (no rsID available, gnomAD 0.004%). This variant has not been reported in the literature in individuals affected with SLC9A6-related conditions. Variants that disrupt the consensus splice site are a relatively common cause of aberrant splicing (PMID: 17576681, 9536098). Algorithms developed to predict the effect of sequence changes on RNA splicing suggest that this variant is not likely to affect RNA splicing. In summary, the available evidence is currently insufficient to determine the role of this variant in disease. Therefore, it has been classified as a Variant of Uncertain Significance.

Literature cited by the submitters: PubMed 17576681 (cited by Labcorp Genetics (formerly Invitae), Labcorp); PubMed 9536098 (cited by Labcorp Genetics (formerly Invitae), Labcorp).

NM_001379110.1(SLC9A6):c.1081-3C>T

Gene: SLC9A6 (solute carrier family 9 member A6; plus strand). Cytogenetic location: Xq26.3.
Variant type: single nucleotide variant.
Coding change: c.1081-3C>T on transcript NM_001379110.1 (MANE Select); 3 bases into the intron before coding-DNA position 1081, C replaced by T.
Molecular consequence: intron variant.
Genome position (GRCh38, 1-based): chrX:136,016,642, C>T. VCF-style: chrX-136016642-C-T. GRCh37 (hg19) VCF-style: chrX-135098801-C-T.
Other names: c.1081-3C>T (NM_001400909.1, NM_001400910.1, NM_001400911.1 and 2 more transcripts); c.1237-3C>T (NM_001042537.2); c.1141-3C>T (NM_006359.3); c.985-3C>T (NM_001400913.1, NM_001330652.2).
Identifiers: ClinVar variation 3686755 (VCV003686755.3).
Genomic context (GRCh38, chrX:136,016,642, plus strand): 5'-TACTCATGCTTTCAAATTATGTAACTTTATTTGCTGGACTAATCTTTTACAATTTCGTTT[C>T]AGTTGTTTGAGCTTCTCAATTTCTTGGCAGAGAATTTCATCTTCTCCTACATGGGGCTGA-3'